The following is an entry in ClinVar:

ClinVar aggregate classification (germline): Uncertain significance (1 of 4 stars; one submission).

Submission:

Labcorp Genetics (formerly Invitae), Labcorp
Classification: Uncertain significance. Last evaluated: 2024-02-02. Review status: criteria provided, single submitter. Criteria: Invitae Variant Classification Sherloc (09022015). Collection method: clinical testing. Allele origin: germline.
Comment: This sequence change replaces glutamic acid, which is acidic and polar, with glutamine, which is neutral and polar, at codon 196 of the GFAP protein (p.Glu196Gln). This variant is present in population databases (rs199715194, gnomAD 0.007%). This variant has not been reported in the literature in individuals affected with GFAP-related conditions. Advanced modeling of protein sequence and biophysical properties (such as structural, functional, and spatial information, amino acid conservation, physicochemical variation, residue mobility, and thermodynamic stability) has been performed at Invitae for this missense variant, however the output from this modeling did not meet the statistical confidence thresholds required to predict the impact of this variant on GFAP protein function. In summary, the available evidence is currently insufficient to determine the role of this variant in disease. Therefore, it has been classified as a Variant of Uncertain Significance.

NM_002055.5(GFAP):c.586G>C (p.Glu196Gln)

Gene: GFAP (glial fibrillary acidic protein; minus strand). Cytogenetic location: 17q21.31.
Variant type: single nucleotide variant.
Coding change: c.586G>C on transcript NM_002055.5 (MANE Select); coding-DNA position 586, G replaced by C.
Protein change: p.Glu196Gln; replaces glutamic acid 196 with glutamine.
Molecular consequence: missense variant.
Genome position (GRCh38, 1-based): chr17:44,913,760, C>G on the plus strand (G>C on the coding strand, the complement: GFAP is on the minus strand). VCF-style: chr17-44913760-C-G. GRCh37 (hg19) VCF-style: chr17-42991128-C-G.
Other names: c.586G>C, p.Glu196Gln (NM_001131019.3, NM_001242376.3, NM_001363846.2); short protein forms E196Q.
Identifiers: ClinVar variation 3634715 (VCV003634715.2).